The following is an entry in ClinVar:

ClinVar aggregate classification (germline): Likely benign (1 of 4 stars; one submission).

gnomAD v4.1: 1 of 1,613,968 alleles (0.000062%); highest among the groups gnomAD compares: Non-Finnish European, 0.000085%; no homozygotes.

Submission:

Women's Health and Genetics/Laboratory Corporation of America, LabCorp
Classification: Likely benign. Last evaluated: 2026-05-04. Review status: criteria provided, single submitter. Criteria: LabCorp Variant Classification Summary - May 2015. Collection method: clinical testing. Allele origin: germline.
Comment: Variant summary: VWF c.4824C>G alters a conserved nucleotide resulting in a synonymous change. Consensus agreement among computation tools predict no significant impact on normal splicing. However, these predictions have yet to be confirmed by functional studies. The variant allele was found at a frequency of 4e-06 in 251212 control chromosomes. The available data on variant occurrences in the general population are insufficient to allow any conclusion about variant significance. To our knowledge, no occurrence of c.4824C>G in individuals affected with VWF-related conditions and no experimental evidence demonstrating its impact on protein function have been reported. No submitters have cited clinical-significance assessments for this variant to ClinVar. Based on the evidence outlined above, the variant was classified as likely benign.

NM_000552.5(VWF):c.4824C>G (p.Thr1608=)

Gene: VWF (von Willebrand factor; minus strand). Cytogenetic location: 12p13.31.
Variant type: single nucleotide variant.
Coding change: c.4824C>G on transcript NM_000552.5 (MANE Select); coding-DNA position 4824, C replaced by G.
Protein change: p.Thr1608=; no amino-acid change (threonine 1608 retained).
Molecular consequence: synonymous variant.
Genome position (GRCh38, 1-based): chr12:6,018,594, G>C on the plus strand (C>G on the coding strand, the complement: VWF is on the minus strand). VCF-style: chr12-6018594-G-C. GRCh37 (hg19) VCF-style: chr12-6127760-G-C.
Identifiers: ClinVar variation 4853581 (VCV004853581.1).